The following is an entry in ClinVar:

ClinVar aggregate classification (germline): Conflicting classifications of pathogenicity. Review status: criteria provided, conflicting classifications (1 of 4 stars). 24 submissions from 20 submitters: Uncertain significance (3); Benign (7); Likely benign (8). 6 of the submissions do not count toward it. Last evaluated 2026-09-01.

Conditions:
Cardiovascular phenotype. Identifiers: MedGen CN230736.
Autosomal recessive limb-girdle muscular dystrophy type 2J (LGMDR10). Also called: MUSCULAR DYSTROPHY, LIMB-GIRDLE, AUTOSOMAL RECESSIVE 10; Limb-girdle muscular dystrophy, type 2J. Identifiers: Orphanet 140922, MedGen C1837342, MONDO:0012127, OMIM 608807.
Dilated cardiomyopathy 1G (CMD1G). Identifiers: Orphanet 154, MedGen C1858763, MONDO:0011400, OMIM 604145.
Cardiomyopathy (CMYO). Also called: Cardiomyopathies. Identifiers: Orphanet 167848, MedGen C0878544, MONDO:0004994, HP:0001638. Inheritance: Various modes of inheritance.
Early-onset myopathy with fatal cardiomyopathy (CMYO5). Also called: CONGENITAL MYOPATHY 5 WITH CARDIOMYOPATHY; Salih Myopathy. Identifiers: Orphanet 289377, MedGen C2673677, MONDO:0012714, OMIM 611705. Disease mechanism: loss of function.
Myopathy, myofibrillar, 9, with early respiratory failure (MFM9). Also called: Myopathy, distal, with early respiratory failure, autosomal dominant; Hereditary myopathy with early respiratory failure; EDSTROM MYOPATHY; MYOPATHY, PROXIMAL, WITH EARLY RESPIRATORY MUSCLE INVOLVEMENT. Identifiers: Orphanet 178464, Orphanet 34521, MedGen C1863599, MONDO:0011362, OMIM 603689.
Tibial muscular dystrophy (TMD). Also called: Tibial muscular dystrophy, tardive; Udd Distal Myopathy – Tibial Muscular Dystrophy; UDD MYOPATHY. Identifiers: Orphanet 609, MedGen C1838244, MONDO:0010870, OMIM 600334.

Allele frequency attached by ClinVar (database versions not stated): gnomAD 0.00059 and 0.00056; TOPMed 0.00063; ESP Exome Variant Server 0.00073; gnomAD exomes 0.00087; 1000 Genomes Project 0.00040; 1000 Genomes Project 30x 0.00062; ExAC 0.00083.
gnomAD v4.1: 899 of 1,613,358 alleles (0.056%); highest among the groups gnomAD compares: Middle Eastern, 0.26%; 2 homozygotes.

Submissions (24):

CeGaT Center for Human Genetics Tuebingen
Classification: Likely benign. Last evaluated: 2026-09-01. Review status: criteria provided, single submitter. Criteria: CeGaT Center For Human Genetics Tuebingen Variant Classification Criteria Version 2. Collection method: clinical testing. Allele origin: germline. Affected: yes. Observed: 33 variant alleles.
Comment: TTN: BP4, BP7

Labcorp Genetics (formerly Invitae), Labcorp
Classification: Benign for Dilated cardiomyopathy 1G; Autosomal recessive limb-girdle muscular dystrophy type 2J. Last evaluated: 2026-02-01. Review status: criteria provided, single submitter. Criteria: Invitae Variant Classification Sherloc (09022015). Collection method: clinical testing. Allele origin: germline.

Mayo Clinic Laboratories, Mayo Clinic
Classification: Likely benign. Last evaluated: 2025-05-13. Review status: criteria provided, single submitter. Criteria: ACMG Guidelines, 2015. Collection method: clinical testing. Allele origin: germline. Observed: 4 variant alleles.
Comment: BS1, BP4, BP7

Molecular Diagnostic Laboratory for Inherited Cardiovascular Disease, Montreal Heart Institute
Classification: Likely benign. Last evaluated: 2025-04-09. Review status: criteria provided, single submitter. Criteria: ACMG Guidelines, 2015. Collection method: clinical testing. Allele origin: germline. Affected: no.

ARUP Laboratories, Molecular Genetics and Genomics, ARUP Laboratories
Classification: Likely benign. Last evaluated: 2025-04-08. Review status: criteria provided, single submitter. Criteria: ARUP Molecular Germline Variant Investigation Process 2024. Collection method: clinical testing. Allele origin: germline.

Blueprint Genetics
Classification: Likely benign. Last evaluated: 2024-11-26. Review status: criteria provided, single submitter. Criteria: ACMG Guidelines, 2015. Collection method: clinical testing. Allele origin: germline.

CHEO Genetics Diagnostic Laboratory, Children's Hospital of Eastern Ontario
Classification: Benign for Cardiomyopathy. Last evaluated: 2023-03-21. Review status: criteria provided, single submitter. Criteria: ACMG Guidelines, 2015. Collection method: clinical testing. Allele origin: germline.

Women's Health and Genetics/Laboratory Corporation of America, LabCorp
Classification: Benign. Last evaluated: 2021-08-08. Review status: criteria provided, single submitter. Criteria: LabCorp Variant Classification Summary - May 2015. Collection method: clinical testing. Allele origin: germline.

Athena Diagnostics
Classification: Benign. Last evaluated: 2018-05-09. Review status: criteria provided, single submitter. Criteria: Athena Diagnostics Criteria. Collection method: clinical testing. Allele origin: germline.

Illumina Laboratory Services, Illumina
Classification: Uncertain significance for Early-onset myopathy with fatal cardiomyopathy. Last evaluated: 2018-01-13. Review status: criteria provided, single submitter. Criteria: ICSL Variant Classification Criteria 13 December 2019. Collection method: clinical testing. Allele origin: germline.

Illumina Laboratory Services, Illumina
Classification: Benign for Myopathy, myofibrillar, 9, with early respiratory failure. Last evaluated: 2018-01-13. Review status: criteria provided, single submitter. Criteria: ICSL Variant Classification Criteria 13 December 2019. Collection method: clinical testing. Allele origin: germline.
Comment: This variant was observed in the ICSL laboratory as part of a predisposition screen in an ostensibly healthy population. It had not been previously curated by ICSL or reported in the Human Gene Mutation Database (HGMD: prior to June 1st, 2018), and was therefore a candidate for classification through an automated scoring system. Utilizing variant allele frequency, disease prevalence and penetrance estimates, and inheritance mode, an automated score was calculated to assess if this variant is too frequent to cause the disease. Based on the score and internal cut-off values, a variant classified as benign is not then subjected to further curation. The score for this variant resulted in a classification of benign for this disease.

Illumina Laboratory Services, Illumina
Classification: Benign for Tibial muscular dystrophy. Last evaluated: 2018-01-13. Review status: criteria provided, single submitter. Criteria: ICSL Variant Classification Criteria 13 December 2019. Collection method: clinical testing. Allele origin: germline.
Comment: the same text as in the submission from Illumina Laboratory Services, Illumina above.

Illumina Laboratory Services, Illumina
Classification: Uncertain significance for Dilated cardiomyopathy 1G. Last evaluated: 2018-01-13. Review status: criteria provided, single submitter. Criteria: ICSL Variant Classification Criteria 13 December 2019. Collection method: clinical testing. Allele origin: germline.

Illumina Laboratory Services, Illumina
Classification: Uncertain significance for Autosomal recessive limb-girdle muscular dystrophy type 2J. Last evaluated: 2018-01-13. Review status: criteria provided, single submitter. Criteria: ICSL Variant Classification Criteria 13 December 2019. Collection method: clinical testing. Allele origin: germline.

Ambry Genetics
Classification: Likely benign for Cardiovascular phenotype. Last evaluated: 2017-07-17. Review status: criteria provided, single submitter. Criteria: Ambry Variant Classification Scheme 2023. Collection method: clinical testing. Allele origin: germline.

Laboratory for Molecular Medicine, Mass General Brigham Personalized Medicine
Classification: Likely benign. Last evaluated: 2015-05-07. Review status: criteria provided, single submitter. Criteria: LMM Criteria. Collection method: clinical testing. Allele origin: germline. Observed: 5 variant alleles.
Comment: p.Val23167Val in exon 275 of TTN: This variant is not expected to have clinical significance because it does not alter an amino acid residue and is not located within the splice consensus sequence. It has been identified in 0.25% (29/11562) of Latino chromosomes and 0.1% (67/66698) of European chromosomes by the Exome Aggregation Consortium (ExAC; dbSNP rs55857909).

GeneDx
Classification: Benign. Last evaluated: 2015-03-18. Review status: criteria provided, single submitter. Criteria: GeneDx Variant Classification (06012015). Collection method: clinical testing. Allele origin: germline. Affected: yes.
Comment: This variant is considered likely benign or benign based on one or more of the following criteria: it is a conservative change, it occurs at a poorly conserved position in the protein, it is predicted to be benign by multiple in silico algorithms, and/or has population frequency not consistent with disease.

Eurofins Ntd Llc (ga)
Classification: Likely benign. Last evaluated: 2015-03-02. Review status: criteria provided, single submitter. Criteria: EGL Classification Definitions 2015. Collection method: clinical testing. Allele origin: germline. Observed: 1 variant allele, 1 heterozygote.

Clinical Genetics DNA and cytogenetics Diagnostics Lab, Erasmus MC, Erasmus Medical Center
Classification: Likely benign. Review status: no assertion criteria provided. Collection method: clinical testing. Allele origin: germline. Affected: yes. Study: VKGL Data-share Consensus. Not counted in ClinVar's aggregate classification.

Clinical Genetics, Academic Medical Center
Classification: Benign. Review status: no assertion criteria provided. Collection method: clinical testing. Allele origin: germline. Affected: yes. Study: VKGL Data-share Consensus. Not counted in ClinVar's aggregate classification.

Diagnostic Laboratory, Department of Genetics, University Medical Center Groningen
Classification: Likely benign. Review status: no assertion criteria provided. Collection method: clinical testing. Allele origin: germline. Affected: yes. Study: VKGL Data-share Consensus. Not counted in ClinVar's aggregate classification.

Genome Diagnostics Laboratory, University Medical Center Utrecht
Classification: Likely benign. Review status: no assertion criteria provided. Collection method: clinical testing. Allele origin: germline. Affected: yes. Study: VKGL Data-share Consensus. Not counted in ClinVar's aggregate classification.

Joint Genome Diagnostic Labs from Nijmegen and Maastricht, Radboudumc and MUMC+
Classification: Benign. Review status: no assertion criteria provided. Collection method: clinical testing. Allele origin: germline. Affected: yes. Study: VKGL Data-share Consensus. Not counted in ClinVar's aggregate classification.

Laboratory of Diagnostic Genome Analysis, Leiden University Medical Center (LUMC)
Classification: Likely benign. Review status: no assertion criteria provided. Collection method: clinical testing. Allele origin: germline. Affected: yes. Study: VKGL Data-share Consensus. Not counted in ClinVar's aggregate classification.

NM_001267550.2(TTN):c.77205G>A (p.Val25735=)

Genes: TTN (titin; minus strand), TTN-AS1 (TTN antisense RNA 1; plus strand). Cytogenetic location: 2q31.2.
Variant type: single nucleotide variant.
Coding change: c.77205G>A on transcript NM_001267550.2 (MANE Select); coding-DNA position 77205, G replaced by A.
Protein change: p.Val25735=; no amino-acid change (valine 25735 retained).
Molecular consequence: synonymous variant.
Genome position (GRCh38, 1-based): chr2:178,568,927, C>T on the plus strand (G>A on the coding strand, the complement: TTN is on the minus strand). VCF-style: chr2-178568927-C-T. GRCh37 (hg19) VCF-style: chr2-179433654-C-T.
Other names: p.Val24094=; c.72282G>A, p.Val24094= (NM_001256850.1); c.50010G>A, p.Val16670= (NM_003319.4); c.69501G>A, p.Val23167= (NM_133378.4); c.50385G>A, p.Val16795= (NM_133432.3); c.50586G>A, p.Val16862= (NM_133437.4).
Identifiers: ClinVar variation 47355 (VCV000047355.81), dbSNP rs55857909, ClinGen allele CA140774.
Genomic context (GRCh38, chr2:178,568,927, plus strand): 5'-CTGAAGAGACTTTACTCGAGCACACTCTGACCATTTCTCACTGTGTTTAGCTTGCATTTC[C>T]ACAATATACTGAATGATTTTACTGCCACCATCATGTTCAGGTTTTGTCCAACTCAGAGAG-3'
Protein context (NP_001254479.2, residues 25725-25745): DGGSKIIQYI[Val25735=]EMQAKHSEKW